The following is an entry in ClinVar:

NM_020987.5(ANK3):c.12571A>G (p.Asn4191Asp)

Gene: ANK3 (ankyrin 3; minus strand). Cytogenetic location: 10q21.2.
Variant type: single nucleotide variant.
Coding change: c.12571A>G on transcript NM_020987.5 (MANE Select); coding-DNA position 12571, A replaced by G.
Protein change: p.Asn4191Asp; replaces asparagine 4191 with aspartic acid.
Molecular consequence: missense variant.
Genome position (GRCh38, 1-based): chr10:60,063,135, T>C on the plus strand (A>G on the coding strand, the complement: ANK3 is on the minus strand). VCF-style: chr10-60063135-T-C. GRCh37 (hg19) VCF-style: chr10-61822893-T-C.
Other names: c.2134A>G, p.Asn712Asp (NM_001149.4); c.4714A>G, p.Asn1572Asp (NM_001204403.2); c.4735A>G, p.Asn1579Asp (NM_001204404.2); c.4732A>G, p.Asn1578Asp (NM_001320874.2); short protein forms N1578D, N1572D, N4191D, N712D, N1579D.
Identifiers: ClinVar variation 2130667 (VCV002130667.4), dbSNP rs2492457827, ClinGen allele CA376993938.

ClinVar aggregate classification (germline): Uncertain significance (1 of 4 stars; one submission).

Submission:

Labcorp Genetics (formerly Invitae), Labcorp
Classification: Uncertain significance. Last evaluated: 2023-07-21. Review status: criteria provided, single submitter. Criteria: Invitae Variant Classification Sherloc (09022015). Collection method: clinical testing. Allele origin: germline.
Comment: In summary, the available evidence is currently insufficient to determine the role of this variant in disease. Therefore, it has been classified as a Variant of Uncertain Significance. An algorithm developed to predict the effect of missense changes on protein structure and function (PolyPhen-2) suggests that this variant is likely to be tolerated. ClinVar contains an entry for this variant (Variation ID: 2130667). This variant has not been reported in the literature in individuals affected with ANK3-related conditions. This variant is not present in population databases (gnomAD no frequency). This sequence change replaces asparagine, which is neutral and polar, with aspartic acid, which is acidic and polar, at codon 4191 of the ANK3 protein (p.Asn4191Asp).